The following is an entry in ClinVar:

NM_194277.3(FRMD7):c.373A>T (p.Ile125Phe)

Gene: FRMD7 (FERM domain containing 7; minus strand). Cytogenetic location: Xq26.2.
Variant type: single nucleotide variant.
Coding change: c.373A>T on transcript NM_194277.3 (MANE Select); coding-DNA position 373, A replaced by T.
Protein change: p.Ile125Phe; replaces isoleucine 125 with phenylalanine.
Molecular consequence: missense variant.
Genome position (GRCh38, 1-based): chrX:132,094,051, T>A on the plus strand (A>T on the coding strand, the complement: FRMD7 is on the minus strand). VCF-style: chrX-132094051-T-A. GRCh37 (hg19) VCF-style: chrX-131228079-T-A.
Other names: c.328A>T, p.Ile110Phe (NM_001306193.2); short protein forms I110F, I125F.
Identifiers: ClinVar variation 1018576 (VCV001018576.8), dbSNP rs1928257020, ClinGen allele CA414681570.

ClinVar aggregate classification (germline): Uncertain significance (1 of 4 stars; one submission).

Submission:

Labcorp Genetics (formerly Invitae), Labcorp
Classification: Uncertain significance. Last evaluated: 2020-03-14. Review status: criteria provided, single submitter. Criteria: Invitae Variant Classification Sherloc (09022015). Collection method: clinical testing. Allele origin: germline.
Comment: This sequence change replaces isoleucine with phenylalanine at codon 125 of the FRMD7 protein (p.Ile125Phe). The isoleucine residue is moderately conserved and there is a small physicochemical difference between isoleucine and phenylalanine. This variant is not present in population databases (ExAC no frequency). This variant has not been reported in the literature in individuals with FRMD7-related conditions. Algorithms developed to predict the effect of missense changes on protein structure and function are either unavailable or do not agree on the potential impact of this missense change (SIFT: "Deleterious"; PolyPhen-2: "Probably Damaging"; Align-GVGD: "Class C0"). In summary, the available evidence is currently insufficient to determine the role of this variant in disease. Therefore, it has been classified as a Variant of Uncertain Significance.